The following is an entry in ClinVar:

NM_021625.5(TRPV4):c.2387A>T (p.Asn796Ile)

Gene: TRPV4 (transient receptor potential cation channel subfamily V member 4; minus strand). Cytogenetic location: 12q24.11.
Variant type: single nucleotide variant.
Coding change: c.2387A>T on transcript NM_021625.5 (MANE Select); coding-DNA position 2387, A replaced by T.
Protein change: p.Asn796Ile; replaces asparagine 796 with isoleucine.
Molecular consequence: missense variant.
Genome position (GRCh38, 1-based): chr12:109,784,387, T>A on the plus strand (A>T on the coding strand, the complement: TRPV4 is on the minus strand). VCF-style: chr12-109784387-T-A. GRCh37 (hg19) VCF-style: chr12-110222192-T-A.
Other names: c.2246A>T, p.Asn749Ile (NM_001177428.2); c.2285A>T, p.Asn762Ile (NM_001177431.2); c.2066A>T, p.Asn689Ile (NM_001177433.2); c.2207A>T, p.Asn736Ile (NM_147204.3); short protein forms N689I, N736I, N749I, N762I, N796I.
Identifiers: ClinVar variation 1315893 (VCV001315893.2), dbSNP rs1188535536, ClinGen allele CA386648830.

ClinVar aggregate classification (germline): Uncertain significance (1 of 4 stars; one submission).

Submission:

GeneDx
Classification: Uncertain significance. Last evaluated: 2019-07-12. Review status: criteria provided, single submitter. Criteria: GeneDx Variant Classification Process June 2021. Collection method: clinical testing. Allele origin: germline. Affected: yes.
Comment: Not observed in large population cohorts (Lek et al., 2016); In silico analysis, which includes protein predictors and evolutionary conservation, supports a deleterious effect; Has not been previously published as pathogenic or benign to our knowledge